The following is an entry in ClinVar:

NM_017534.6(MYH2):c.4961G>C (p.Gly1654Ala)

Genes: MYH2 (myosin heavy chain 2; minus strand), MYHAS (myosin heavy chain gene cluster antisense RNA; plus strand), LOC126862500 (BRD4-independent group 4 enhancer GRCh37_chr17:10427829-10429028; plus strand). Cytogenetic location: 17p13.1.
Variant type: single nucleotide variant.
Coding change: c.4961G>C on transcript NM_017534.6 (MANE Select); coding-DNA position 4961, G replaced by C.
Protein change: p.Gly1654Ala; replaces glycine 1654 with alanine.
Molecular consequence: missense variant.
Genome position (GRCh38, 1-based): chr17:10,524,767, C>G on the plus strand (G>C on the coding strand, the complement: MYH2 is on the minus strand). VCF-style: chr17-10524767-C-G. GRCh37 (hg19) VCF-style: chr17-10428084-C-G.
Other names: c.4961G>C, p.Gly1654Ala (NM_001100112.2); short protein forms G1654A.
Identifiers: ClinVar variation 837661 (VCV000837661.7), dbSNP rs1126556, ClinGen allele CA8390534.
Genomic context (GRCh38, chr17:10,524,767, plus strand): 5'-GGGTTGCAGGCACCCCAATAGTCCTGGGACCATCTCTTGGACATATTTACCTTGAGGATG[C>G]CTTGGGTGTTCCTGTAGTTCCTCAGGGCCTCAGCAGCCATGCGGTTGGCATGGTTCAGCT-3'
Protein context (NP_060004.3, residues 1644-1664): EALRNYRNTQ[Gly1654Ala]ILKDTQIHLD

ClinVar aggregate classification (germline): Uncertain significance (1 of 4 stars; one submission).

Conditions:
Myopathy, proximal, and ophthalmoplegia (CMYO6). Also called: INCLUSION BODY MYOPATHY 3, AUTOSOMAL DOMINANT; MYOPATHY WITH CONGENITAL JOINT CONTRACTURES, OPHTHALMOPLEGIA, AND RIMMED VACUOLES; CONGENITAL MYOPATHY 6 WITH OPHTHALMOPLEGIA. Identifiers: Orphanet 363677, Orphanet 79091, MedGen C1854106, MONDO:0011577, OMIM 605637.

Allele frequency attached by ClinVar (database versions not stated): ExAC 0.00001; gnomAD 0.00001; gnomAD exomes 0.00001; TOPMed 0.00001.
gnomAD v4.1: 16 of 1,614,010 alleles (0.00099%); highest among the groups gnomAD compares: East Asian, 0.016%; no homozygotes.

Submission:

Labcorp Genetics (formerly Invitae), Labcorp
Classification: Uncertain significance for Myopathy, proximal, and ophthalmoplegia. Last evaluated: 2024-08-30. Review status: criteria provided, single submitter. Criteria: Invitae Variant Classification Sherloc (09022015). Collection method: clinical testing. Allele origin: germline.
Comment: This sequence change replaces glycine, which is neutral and non-polar, with alanine, which is neutral and non-polar, at codon 1654 of the MYH2 protein (p.Gly1654Ala). This variant is present in population databases (rs1126556, gnomAD 0.006%). This variant has not been reported in the literature in individuals affected with MYH2-related conditions. ClinVar contains an entry for this variant (Variation ID: 837661). An algorithm developed to predict the effect of missense changes on protein structure and function outputs the following: PolyPhen-2: "Benign". The alanine amino acid residue is found in multiple mammalian species, which suggests that this missense change does not adversely affect protein function. In summary, the available evidence is currently insufficient to determine the role of this variant in disease. Therefore, it has been classified as a Variant of Uncertain Significance.